The following is an entry in ClinVar:

NM_005157.6(ABL1):c.689C>T (p.Pro230Leu)

Gene: ABL1 (ABL proto-oncogene 1, non-receptor tyrosine kinase; plus strand). Cytogenetic location: 9q34.12.
Variant type: single nucleotide variant.
Coding change: c.689C>T on transcript NM_005157.6 (MANE Select); coding-DNA position 689, C replaced by T.
Protein change: p.Pro230Leu; replaces proline 230 with leucine.
Molecular consequence: missense variant.
Genome position (GRCh38, 1-based): chr9:130,862,902, C>T. VCF-style: chr9-130862902-C-T. GRCh37 (hg19) VCF-style: chr9-133738289-C-T.
Other names: c.746C>T, p.Pro249Leu (NM_007313.3); short protein forms P249L, P230L.
Identifiers: ClinVar variation 917884 (VCV000917884.4), dbSNP rs1831097846, ClinGen allele CA375262830.
Genomic context (GRCh38, chr9:130,862,902, plus strand): 5'-TCACCACGCTCCATTATCCAGCCCCAAAGCGCAACAAGCCCACTGTCTATGGTGTGTCCC[C>T]CAACTACGACAAGTGGGAGATGGAACGCACGGACATCACCATGAAGCACAAGCTGGGCGG-3'
Protein context (NP_005148.2, residues 220-240): RNKPTVYGVS[Pro230Leu]NYDKWEMERT

ClinVar aggregate classification (germline): Likely pathogenic. Review status: criteria provided, multiple submitters, no conflicts (2 of 4 stars). 3 submissions from 3 submitters: Likely pathogenic (2). 1 of the submissions does not count toward it. Last evaluated 2023-12-28.

Conditions:
Congenital heart defects and skeletal malformations syndrome. Identifiers: Orphanet 643503, MedGen C4539857, MONDO:0060532, OMIM 617602.

Submissions (3):

GeneDx
Classification: Likely pathogenic. Last evaluated: 2023-12-28. Review status: criteria provided, single submitter. Criteria: GeneDx Variant Classification Process June 2021. Collection method: clinical testing. Allele origin: germline. Affected: yes.
Comment: Published functional studies demonstrate increased ABL1 auto-phosphorylation levels and a gain in phosphotyrosine levels (PMID: 32643838); Not observed at significant frequency in large population cohorts (gnomAD); In silico analysis supports that this missense variant has a deleterious effect on protein structure/function; This variant is associated with the following publications: (PMID: 32643838)

Baylor Genetics
Classification: Likely pathogenic for Congenital heart defects and skeletal malformations syndrome. Last evaluated: 2018-08-17. Review status: criteria provided, single submitter. Criteria: ACMG Guidelines, 2015. Collection method: clinical testing. Allele origin: de novo. Inheritance: Autosomal dominant inheritance. Affected: yes. Observed: 1 heterozygote.

OMIM
Classification: Pathogenic for CONGENITAL HEART DEFECTS AND SKELETAL MALFORMATIONS SYNDROME. Last evaluated: 2021-11-11. Review status: no assertion criteria provided. Collection method: literature only. Allele origin: germline. Not counted in ClinVar's aggregate classification.

Literature cited by the submitters: PubMed 32643838 (cited by OMIM).